The following is an entry in ClinVar:

NM_004380.3(CREBBP):c.5014A>T (p.Arg1672Ter)

Gene: CREBBP (CREB binding lysine acetyltransferase; minus strand). Cytogenetic location: 16p13.3.
Variant type: single nucleotide variant.
Coding change: c.5014A>T on transcript NM_004380.3 (MANE Select); coding-DNA position 5014, A replaced by T.
Protein change: p.Arg1672Ter; replaces arginine 1672 with a stop codon.
Molecular consequence: nonsense.
Genome position (GRCh38, 1-based): chr16:3,731,350, T>A on the plus strand (A>T on the coding strand, the complement: CREBBP is on the minus strand). VCF-style: chr16-3731350-T-A. GRCh37 (hg19) VCF-style: chr16-3781351-T-A.
Other names: c.4900A>T, p.Arg1634Ter (NM_001079846.1); short protein forms R1672*, R1634*.
Identifiers: ClinVar variation 527962 (VCV000527962.8), dbSNP rs1555471874, ClinGen allele CA394558691.

ClinVar aggregate classification (germline): Pathogenic (1 of 4 stars; one submission).

Conditions:
Rubinstein-Taybi syndrome (RSTS). Identifiers: Orphanet 783, MedGen C0035934, MONDO:0019188.

Submission:

Labcorp Genetics (formerly Invitae), Labcorp
Classification: Pathogenic for Rubinstein-Taybi syndrome. Last evaluated: 2017-12-18. Review status: criteria provided, single submitter. Criteria: Invitae Variant Classification Sherloc (09022015). Collection method: clinical testing. Allele origin: germline.
Comment: For these reasons, this variant has been classified as Pathogenic. Loss-of-function variants in CREBBP are known to be pathogenic (PMID: 17052327, 18792986). This variant has not been reported in the literature in individuals with CREBBP-related disease. This variant is not present in population databases (ExAC no frequency). This sequence change creates a premature translational stop signal (p.Arg1672*) in the CREBBP gene. It is expected to result in an absent or disrupted protein product.

Literature cited by the submitters: PubMed 17052327; PubMed 18792986.